The following is an entry in ClinVar:

NM_001005361.3(DNM2):c.1521C>A (p.Asn507Lys)

Gene: DNM2 (dynamin 2; plus strand). Cytogenetic location: 19p13.2.
Variant type: single nucleotide variant.
Coding change: c.1521C>A on transcript NM_001005361.3 (MANE Select); coding-DNA position 1521, C replaced by A.
Protein change: p.Asn507Lys; replaces asparagine 507 with lysine.
Molecular consequence: missense variant.
Genome position (GRCh38, 1-based): chr19:10,805,943, C>A. VCF-style: chr19-10805943-C-A. GRCh37 (hg19) VCF-style: chr19-10916619-C-A.
Other names: c.1521C>A, p.Asn507Lys (NM_001005360.3, NM_001005362.3, NM_001190716.2 and 1 more transcripts); short protein forms N507K.
Identifiers: ClinVar variation 2015785 (VCV002015785.4), dbSNP rs2513281254, ClinGen allele CA404038788.

ClinVar aggregate classification (germline): Uncertain significance (1 of 4 stars; one submission).

Conditions:
Charcot-Marie-Tooth disease dominant intermediate B (CMTDIB). Also called: CHARCOT-MARIE-TOOTH NEUROPATHY, DOMINANT INTERMEDIATE B; Charcot-Marie-Tooth disease dominant intermediate 1; CMT DI1; Charcot-Marie-Tooth disease dominant intermediate I. Identifiers: Orphanet 100044, Orphanet 228179, MedGen C1847902, MONDO:0011674, OMIM 606482.

Submission:

Labcorp Genetics (formerly Invitae), Labcorp
Classification: Uncertain significance for Charcot-Marie-Tooth disease dominant intermediate B. Last evaluated: 2022-07-26. Review status: criteria provided, single submitter. Criteria: Invitae Variant Classification Sherloc (09022015). Collection method: clinical testing. Allele origin: germline.
Comment: In summary, the available evidence is currently insufficient to determine the role of this variant in disease. Therefore, it has been classified as a Variant of Uncertain Significance. Algorithms developed to predict the effect of missense changes on protein structure and function are either unavailable or do not agree on the potential impact of this missense change (SIFT: "Tolerated"; PolyPhen-2: "Possibly Damaging"; Align-GVGD: "Class C0"). This variant has not been reported in the literature in individuals affected with DNM2-related conditions. This variant is not present in population databases (gnomAD no frequency). This sequence change replaces asparagine, which is neutral and polar, with lysine, which is basic and polar, at codon 507 of the DNM2 protein (p.Asn507Lys).